The following is an entry in ClinVar:

ClinVar aggregate classification (germline): Likely pathogenic (1 of 4 stars; one submission).

Submission:

Labcorp Genetics (formerly Invitae), Labcorp
Classification: Likely pathogenic. Last evaluated: 2022-07-09. Review status: criteria provided, single submitter. Criteria: Invitae Variant Classification Sherloc (09022015). Collection method: clinical testing. Allele origin: germline.
Comment: This variant is not present in population databases (gnomAD no frequency). In summary, the currently available evidence indicates that the variant is pathogenic, but additional data are needed to prove that conclusively. Therefore, this variant has been classified as Likely Pathogenic. This variant disrupts the p.Met195 amino acid residue in GJB2. Other variant(s) that disrupt this residue have been determined to be pathogenic (PMID: 20497192, 24013081, 26749107, 30146550, 33597575). This suggests that this residue is clinically significant, and that variants that disrupt this residue are likely to be disease-causing. Experimental studies have shown that this missense change affects GJB2 function (PMID: 26749107). Advanced modeling of protein sequence and biophysical properties (such as structural, functional, and spatial information, amino acid conservation, physicochemical variation, residue mobility, and thermodynamic stability) performed at Invitae indicates that this missense variant is expected to disrupt GJB2 protein function. This variant has not been reported in the literature in individuals affected with GJB2-related conditions. This sequence change replaces methionine, which is neutral and non-polar, with leucine, which is neutral and non-polar, at codon 195 of the GJB2 protein (p.Met195Leu).

Literature cited by the submitters: PubMed 20497192; PubMed 24013081; PubMed 26749107; PubMed 30146550; PubMed 33597575.

NM_004004.6(GJB2):c.583A>T (p.Met195Leu)

Gene: GJB2 (gap junction protein beta 2; minus strand). Cytogenetic location: 13q12.11.
Variant type: single nucleotide variant.
Coding change: c.583A>T on transcript NM_004004.6 (MANE Select); coding-DNA position 583, A replaced by T.
Protein change: p.Met195Leu; replaces methionine 195 with leucine.
Molecular consequence: missense variant.
Genome position (GRCh38, 1-based): chr13:20,188,999, T>A on the plus strand (A>T on the coding strand, the complement: GJB2 is on the minus strand). VCF-style: chr13-20188999-T-A. GRCh37 (hg19) VCF-style: chr13-20763138-T-A.
Other names: short protein forms M195L.
Identifiers: ClinVar variation 1966753 (VCV001966753.5), dbSNP rs532203068, ClinGen allele CA246459818.